The following is an entry in ClinVar:

ClinVar aggregate classification (germline): Pathogenic (1 of 4 stars; one submission).

Conditions:
Autosomal recessive limb-girdle muscular dystrophy type 2D (LGMDR3). Also called: ADHALINOPATHY, PRIMARY; MUSCULAR DYSTROPHY, LIMB-GIRDLE, AUTOSOMAL RECESSIVE 3; DUCHENNE-LIKE AUTOSOMAL RECESSIVE MUSCULAR DYSTROPHY, TYPE 2. Identifiers: Orphanet 62, MedGen C2936332, MONDO:0011968, OMIM 608099. Disease mechanism: Affects gamma-sarcoglycan and also disrupts the integrity of the entire sarcoglycan complex..

Submission:

Labcorp Genetics (formerly Invitae), Labcorp
Classification: Pathogenic for Autosomal recessive limb-girdle muscular dystrophy type 2D. Last evaluated: 2022-10-13. Review status: criteria provided, single submitter. Criteria: Invitae Variant Classification Sherloc (09022015). Collection method: clinical testing. Allele origin: germline.
Comment: For these reasons, this variant has been classified as Pathogenic. This missense change has been observed in individual(s) with muscular dystrophy (Invitae). In at least one individual the data is consistent with being in trans (on the opposite chromosome) from a pathogenic variant. Advanced modeling of protein sequence and biophysical properties (such as structural, functional, and spatial information, amino acid conservation, physicochemical variation, residue mobility, and thermodynamic stability) performed at Invitae indicates that this missense variant is expected to disrupt SGCA protein function. ClinVar contains an entry for this variant (Variation ID: 581745). This variant is not present in population databases (gnomAD no frequency). This sequence change replaces arginine, which is basic and polar, with glycine, which is neutral and non-polar, at codon 98 of the SGCA protein (p.Arg98Gly). Algorithms developed to predict the effect of sequence changes on RNA splicing suggest that this variant may create or strengthen a splice site. This variant disrupts the p.Arg98 amino acid residue in SGCA. Other variant(s) that disrupt this residue have been determined to be pathogenic (PMID: 7668821, 8069911, 9192266, 12746421, 22095924, 27120200). This suggests that this residue is clinically significant, and that variants that disrupt this residue are likely to be disease-causing.

Literature cited by the submitters: PubMed 7668821; PubMed 8069911; PubMed 9192266; PubMed 12746421; PubMed 22095924; PubMed 27120200.

NM_000023.4(SGCA):c.292C>G (p.Arg98Gly)

Gene: SGCA (sarcoglycan alpha; plus strand). Cytogenetic location: 17q21.33.
Variant type: single nucleotide variant.
Coding change: c.292C>G on transcript NM_000023.4 (MANE Select); coding-DNA position 292, C replaced by G.
Protein change: p.Arg98Gly; replaces arginine 98 with glycine.
Molecular consequence: missense variant. On other transcripts: non-coding transcript variant (1).
Genome position (GRCh38, 1-based): chr17:50,167,716, C>G. VCF-style: chr17-50167716-C-G. GRCh37 (hg19) VCF-style: chr17-48245077-C-G.
Other names: c.292C>G, p.Arg98Gly (NM_001135697.3); short protein forms R98G.
Identifiers: ClinVar variation 581745 (VCV000581745.9), dbSNP rs138945081, ClinGen allele CA400177902.
Genomic context (GRCh38, chr17:50,167,716, plus strand): 5'-TACACCCAGCGCAGCCCCCACCACCCTGGCTTCCTCTACGGCTCTGCCACCCCAGAAGAT[C>G]GTGGGCTCCAGGTCATTGAGGTGCCGTCAGGGACCCTGAGAAAATCACAGGGGTGGGCCA-3'
Protein context (NP_000014.1, residues 88-108): FLYGSATPED[Arg98Gly]GLQVIEVTAY